The following is an entry in ClinVar:

NM_003482.4(KMT2D):c.5467+5_5467+8del

Gene: KMT2D (lysine methyltransferase 2D; minus strand). Cytogenetic location: 12q13.12.
Variant type: Microsatellite.
Coding change: c.5467+5_5467+8del on transcript NM_003482.4 (MANE Select); bases 5 to 8 of the intron after coding-DNA position 5467, 4 bases deleted (GTTA; older notation c.5467+5_5467+8delGTTA).
Molecular consequence: splice donor variant.
Genome position (GRCh38, 1-based): chr12:49,043,627-49,043,630, TAAC deleted on the plus strand (GTTA on the coding strand, the reverse complement: KMT2D is on the minus strand); deleting any 4 consecutive bases within chr12:49,043,627-49,043,634 gives the same sequence; the c. name uses the placement nearest the transcript's 3' end. VCF-style (leftmost placement, unchanged base first): chr12-49043626-ATAAC-A. GRCh37 (hg19) VCF-style: chr12-49437409-ATAAC-A.
Other names: c.5467+5_5467+8delGTTA (NM_003482.3).
Identifiers: ClinVar variation 419457 (VCV000419457.2), dbSNP rs1064793884, ClinGen allele CA16619538.

ClinVar aggregate classification (germline): Pathogenic (1 of 4 stars; one submission).

Submission:

GeneDx
Classification: Pathogenic. Last evaluated: 2017-08-29. Review status: criteria provided, single submitter. Criteria: GeneDx Variant Classification (06012015). Collection method: clinical testing. Allele origin: germline. Affected: yes.
Comment: The c.5467+5_5467+8delGTTA deletion in the KMT2D gene has not been reported previously as apathogenic variant nor as a benign polymorphism, to our knowledge. This deletion is predicted todestroy the natural splice donor site in intron 23, and is expected to cause abnormal gene splicing. Thec.5467+5_5467+8delGTTA variant was not observed in approximately 6,100 individuals of European andAfrican American ancestry in the NHLBI Exome Sequencing Project, indicating it is not a common benignvariant in these populations. We interpret c.5467+5_5467+8delGTTA as a pathogenic variant.